The following is an entry in ClinVar:

NM_001283009.2(RTEL1):c.362A>G (p.Gln121Arg)

Genes: RTEL1 (regulator of telomere elongation helicase 1; plus strand), RTEL1-TNFRSF6B (RTEL1-TNFRSF6B readthrough (NMD candidate); plus strand). Cytogenetic location: 20q13.33.
Variant type: single nucleotide variant.
Coding change: c.362A>G on transcript NM_001283009.2 (MANE Select); coding-DNA position 362, A replaced by G.
Protein change: p.Gln121Arg; replaces glutamine 121 with arginine.
Molecular consequence: missense variant. On other transcripts: non-coding transcript variant (1), 5 prime UTR variant (1).
Genome position (GRCh38, 1-based): chr20:63,661,910, A>G. VCF-style: chr20-63661910-A-G. GRCh37 (hg19) VCF-style: chr20-62293263-A-G.
Other names: c.-308A>G (NM_001283010.1); c.362A>G, p.Gln121Arg (NM_016434.4, NM_032957.5); short protein forms Q121R.
Identifiers: ClinVar variation 4629604 (VCV004629604.1).

ClinVar aggregate classification (germline): Uncertain significance (1 of 4 stars; one submission).

Conditions:
Inborn genetic diseases. Identifiers: MedGen C0950123, MeSH D030342.

gnomAD v4.1: 4 of 1,613,934 alleles (0.00025%); highest among the groups gnomAD compares: Non-Finnish European, 0.00034%; no homozygotes.

Submission:

Ambry Genetics
Classification: Uncertain significance for Inborn genetic diseases. Last evaluated: 2025-11-11. Review status: criteria provided, single submitter. Criteria: Ambry Variant Classification Scheme 2023. Collection method: clinical testing. Allele origin: germline.
Comment: The p.Q121R variant (also known as c.362A>G), located in coding exon 3 of the RTEL1 gene, results from an A to G substitution at nucleotide position 362. The glutamine at codon 121 is replaced by arginine, an amino acid with highly similar properties. This amino acid position is conserved. In addition, this alteration is predicted to be deleterious by in silico analysis. Based on the available evidence, the clinical significance of this variant remains unclear.